The following is an entry in ClinVar:

ClinVar aggregate classification (germline): Uncertain significance. Review status: criteria provided, multiple submitters, no conflicts (2 of 4 stars). 3 submissions from 3 submitters: Uncertain significance (3). Last evaluated 2024-03-25.

Conditions:
Hereditary nonpolyposis colorectal neoplasms. Identifiers: MedGen C0009405, MeSH D003123.
Lynch syndrome. Identifiers: Orphanet 144, MedGen C4552100, MONDO:0005835. Disease mechanism: loss of function.
Hereditary cancer-predisposing syndrome. Also called: Tumor predisposition; Hereditary Cancer Syndrome; Hereditary neoplastic syndrome; Neoplastic Syndromes, Hereditary. Identifiers: Orphanet 140162, MedGen C0027672, MeSH D009386, MONDO:0015356.

Submissions (3):

Labcorp Genetics (formerly Invitae), Labcorp
Classification: Uncertain significance for Hereditary nonpolyposis colorectal neoplasms. Last evaluated: 2024-03-25. Review status: criteria provided, single submitter. Criteria: Invitae Variant Classification Sherloc (09022015). Collection method: clinical testing. Allele origin: germline.
Comment: This sequence change replaces serine, which is neutral and polar, with leucine, which is neutral and non-polar, at codon 601 of the PMS2 protein (p.Ser601Leu). This variant is not present in population databases (gnomAD no frequency). This variant has not been reported in the literature in individuals affected with PMS2-related conditions. ClinVar contains an entry for this variant (Variation ID: 2089998). Advanced modeling of protein sequence and biophysical properties (such as structural, functional, and spatial information, amino acid conservation, physicochemical variation, residue mobility, and thermodynamic stability) performed at Invitae indicates that this missense variant is not expected to disrupt PMS2 protein function with a negative predictive value of 80%. In summary, the available evidence is currently insufficient to determine the role of this variant in disease. Therefore, it has been classified as a Variant of Uncertain Significance.

All of Us Research Program, National Institutes of Health
Classification: Uncertain significance for Lynch syndrome. Last evaluated: 2023-06-28. Review status: criteria provided, single submitter. Criteria: ACMG Guidelines, 2015. Collection method: clinical testing. Allele origin: germline. Inheritance: Autosomal dominant inheritance. Observed: 1 variant allele, 1 heterozygote.
Comment: This missense variant replaces serine with leucine at codon 601 of the PMS2 protein. Computational prediction suggests that this variant may not impact protein structure and function (internally defined REVEL score threshold <= 0.5, PMID: 27666373). To our knowledge, functional studies have not been reported for this variant. This variant has not been reported in individuals affected with hereditary cancer in the literature. This variant has not been identified in the general population by the Genome Aggregation Database (gnomAD). The available evidence is insufficient to determine the role of this variant in disease conclusively. Therefore, this variant is classified as a Variant of Uncertain Significance.

This study involves interpretation of variants in research participants for the purpose of population health screening. Participant phenotype was not available at the time of variant classification. Additional details can be found in publication PMID: 35346344, PMCID: PMC8962531

Color Diagnostics, LLC DBA Color Health
Classification: Uncertain significance for Hereditary cancer-predisposing syndrome. Last evaluated: 2021-08-24. Review status: criteria provided, single submitter. Criteria: ACMG Guidelines, 2015. Collection method: clinical testing. Allele origin: germline.
Comment: This missense variant replaces serine with leucine at codon 601 of the PMS2 protein. Computational prediction suggests that this variant may not impact protein structure and function (internally defined REVEL score threshold <= 0.5, PMID: 27666373). To our knowledge, functional studies have not been reported for this variant. This variant has not been reported in individuals affected with hereditary cancer in the literature. This variant has not been identified in the general population by the Genome Aggregation Database (gnomAD). The available evidence is insufficient to determine the role of this variant in disease conclusively. Therefore, this variant is classified as a Variant of Uncertain Significance.

NM_000535.7(PMS2):c.1802C>T (p.Ser601Leu)

Gene: PMS2 (PMS1 homolog 2, mismatch repair system component; minus strand). Cytogenetic location: 7p22.1.
Variant type: single nucleotide variant.
Coding change: c.1802C>T on transcript NM_000535.7 (MANE Select); coding-DNA position 1802, C replaced by T.
Protein change: p.Ser601Leu; replaces serine 601 with leucine.
Molecular consequence: missense variant. On other transcripts: non-coding transcript variant (1).
Genome position (GRCh38, 1-based): chr7:5,986,963, G>A on the plus strand (C>T on the coding strand, the complement: PMS2 is on the minus strand). VCF-style: chr7-5986963-G-A. GRCh37 (hg19) VCF-style: chr7-6026594-G-A.
Other names: c.1397C>T, p.Ser466Leu (NM_001018040.1, NM_001322003.2, NM_001322004.2 and 17 more transcripts); c.1646C>T, p.Ser549Leu (NM_001322006.2, NM_001406870.1); c.1484C>T, p.Ser495Leu (NM_001322007.2, NM_001322008.2, NM_001406876.1 and 2 more transcripts); c.1241C>T, p.Ser414Leu (NM_001322010.2, NM_001406906.1, NM_001406907.1); c.869C>T, p.Ser290Leu (NM_001322011.2, NM_001322012.2); c.1229C>T, p.Ser410Leu (NM_001322013.2, NM_001406909.1); c.1802C>T, p.Ser601Leu (NM_001322014.2, NM_001406871.1, NM_001406872.1); c.1493C>T, p.Ser498Leu (NM_001322015.2, NM_001406875.1, NM_001406877.1 and 5 more transcripts); and 12 more; short protein forms S290L, S344L, S414L, S430L, S446L, S493L, S565L, S601L.
Identifiers: ClinVar variation 2089998 (VCV002089998.7), dbSNP rs63750456, ClinGen allele CA153227603.